The following is an entry in ClinVar:

ClinVar aggregate classification (germline): Uncertain significance. Review status: criteria provided, multiple submitters, no conflicts (2 of 4 stars). 6 submissions from 6 submitters: Uncertain significance (5). 1 of the submissions does not count toward it. Last evaluated 2025-02-27.

Conditions:
Hereditary cancer-predisposing syndrome. Also called: Neoplastic Syndromes, Hereditary; Hereditary Cancer Syndrome; Tumor predisposition; Hereditary neoplastic syndrome. Identifiers: Orphanet 140162, MedGen C0027672, MeSH D009386, MONDO:0015356.
Ataxia-telangiectasia syndrome (AT). Also called: LOUIS-BAR SYNDROME; Cerebello-oculocutaneous telangiectasia; Immunodeficiency with ataxia telangiectasia; Ataxia-telangiectasia, complementation group D; AT, COMPLEMENTATION GROUP C; Ataxia-telangiectasia, complementation group E. Identifiers: Orphanet 100, MedGen C0004135, MONDO:0008840, OMIM 208900.

Allele frequency attached by ClinVar (database versions not stated): gnomAD exomes below 0.00001; TOPMed 0.00001.

Submissions (6):

Ambry Genetics
Classification: Uncertain significance for Hereditary cancer-predisposing syndrome. Last evaluated: 2025-02-27. Review status: criteria provided, single submitter. Criteria: Ambry Variant Classification Scheme 2023. Collection method: clinical testing. Allele origin: germline.
Comment: The p.A2562D variant (also known as c.7685C>A), located in coding exon 51 of the ATM gene, results from a C to A substitution at nucleotide position 7685. The alanine at codon 2562 is replaced by aspartic acid, an amino acid with dissimilar properties. This amino acid position is highly conserved in available vertebrate species. In addition, this alteration is predicted to be deleterious by in silico analysis. Based on the available evidence, the clinical significance of this variant remains unclear.

Color Diagnostics, LLC DBA Color Health
Classification: Uncertain significance for Hereditary cancer-predisposing syndrome. Last evaluated: 2025-02-03. Review status: criteria provided, single submitter. Criteria: ACMG Guidelines, 2015. Collection method: clinical testing. Allele origin: germline.
Comment: This missense variant replaces alanine with aspartic acid at codon 2562 of the ATM protein. Computational prediction suggests that this variant may have deleterious impact on protein structure and function. To our knowledge, functional studies have not been reported for this variant. This variant has not been reported in individuals affected with ATM-related disorders in the literature. This variant has been identified in 1/251198 chromosomes in the general population by the Genome Aggregation Database (gnomAD). The available evidence is insufficient to determine the role of this variant in disease conclusively. Therefore, this variant is classified as a Variant of Uncertain Significance.

Labcorp Genetics (formerly Invitae), Labcorp
Classification: Uncertain significance for Ataxia-telangiectasia syndrome. Last evaluated: 2024-05-06. Review status: criteria provided, single submitter. Criteria: Invitae Variant Classification Sherloc (09022015). Collection method: clinical testing. Allele origin: germline.
Comment: This sequence change replaces alanine, which is neutral and non-polar, with aspartic acid, which is acidic and polar, at codon 2562 of the ATM protein (p.Ala2562Asp). This variant is present in population databases (no rsID available, gnomAD 0.0009%). This variant has not been reported in the literature in individuals affected with ATM-related conditions. ClinVar contains an entry for this variant (Variation ID: 482754). An algorithm developed to predict the effect of missense changes on protein structure and function (PolyPhen-2) suggests that this variant is likely to be disruptive. In summary, the available evidence is currently insufficient to determine the role of this variant in disease. Therefore, it has been classified as a Variant of Uncertain Significance.

GeneDx
Classification: Uncertain significance. Last evaluated: 2022-10-10. Review status: criteria provided, single submitter. Criteria: GeneDx Variant Classification Process June 2021. Collection method: clinical testing. Allele origin: germline. Affected: yes.
Comment: Not observed at significant frequency in large population cohorts (gnomAD); In silico analysis supports that this missense variant has a deleterious effect on protein structure/function; Has not been previously published as pathogenic or benign to our knowledge; This variant is associated with the following publications: (PMID: 23532176)

Women's Health and Genetics/Laboratory Corporation of America, LabCorp
Classification: Uncertain significance. Last evaluated: 2018-04-06. Review status: criteria provided, single submitter. Criteria: LabCorp Variant Classification Summary - May 2015. Collection method: clinical testing. Allele origin: germline.
Comment: Variant summary: ATM c.7685C>A (p.Ala2562Asp) results in a non-conservative amino acid change located in the FAT PIK-related kinase domain of the encoded protein sequence. Five of five in-silico tools predict a damaging effect of the variant on protein function. The variant allele was found at a frequency of 4.1e-06 in 245984 control chromosomes (gnomAD). The available data on variant occurrences in the general population are insufficient to allow any conclusion about variant significance. To our knowledge, no occurrence of c.7685C>A in individuals affected with Ataxia-Telangiectasia and no experimental evidence demonstrating its impact on protein function have been reported. One clinical diagnostic laboratory has submitted clinical-significance assessments for this variant to ClinVar after 2014 without evidence for independent evaluation and classified the variant as uncertain significance. Based on the evidence outlined above, the variant was classified as uncertain significance.

Natera, Inc.
Classification: Uncertain significance for Ataxia-telangiectasia. Last evaluated: 2020-02-26. Review status: no assertion criteria provided. Collection method: clinical testing. Allele origin: germline. Not counted in ClinVar's aggregate classification.

NM_000051.4(ATM):c.7685C>A (p.Ala2562Asp)

Genes: ATM (ATM serine/threonine kinase; plus strand), C11orf65 (chromosome 11 open reading frame 65; minus strand). Cytogenetic location: 11q22.3.
Variant type: single nucleotide variant.
Coding change: c.7685C>A on transcript NM_000051.4 (MANE Select); coding-DNA position 7685, C replaced by A.
Protein change: p.Ala2562Asp; replaces alanine 2562 with aspartic acid.
Molecular consequence: missense variant. On other transcripts: intron variant (2).
Genome position (GRCh38, 1-based): chr11:108,331,934, C>A. VCF-style: chr11-108331934-C-A. GRCh37 (hg19) VCF-style: chr11-108202661-C-A.
Other names: c.7685C>A, p.Ala2562Asp (NM_001351834.2); c.641-22863G>T (NM_001330368.2); c.*38+3286G>T (NM_001351110.2); short protein forms A2562D.
Identifiers: ClinVar variation 482754 (VCV000482754.29), dbSNP rs1322308382, ClinGen allele CA382561004.